The following is an entry in ClinVar:

ClinVar aggregate classification (germline): Uncertain significance. Review status: criteria provided, multiple submitters, no conflicts (2 of 4 stars). 4 submissions from 4 submitters: Uncertain significance (4). Last evaluated 2025-10-18.

Conditions:
Familial thoracic aortic aneurysm and aortic dissection (TAAD). Also called: Thoracic aortic aneurysms and dissections. Identifiers: Orphanet 91387, MedGen C4707243, MONDO:0019625.
Aortic aneurysm, familial thoracic 4 (AAT4). Also called: AORTIC ANEURYSM/AORTIC DISSECTION AND PATENT DUCTUS ARTERIOSUS. Identifiers: MedGen C1851504, MONDO:0007568, OMIM 132900.

Allele frequency attached by ClinVar (database versions not stated): gnomAD 0.00001; TOPMed 0.00001.
gnomAD v4.1: 3 of 1,613,974 alleles (0.00019%); highest among the groups gnomAD compares: Non-Finnish European, 0.00025%; no homozygotes.

Submissions (4):

Ambry Genetics
Classification: Uncertain significance for Familial thoracic aortic aneurysm and aortic dissection. Last evaluated: 2025-10-18. Review status: criteria provided, single submitter. Criteria: Ambry Variant Classification Scheme 2023. Collection method: clinical testing. Allele origin: germline.
Comment: The c.4819G>T (p.D1607Y) alteration is located in exon 34 (coding exon 33) of the MYH11 gene. This alteration results from a G to T substitution at nucleotide position 4819, causing the aspartic acid (D) at amino acid position 1607 to be replaced by a tyrosine (Y). Based on data from gnomAD, the T allele has an overall frequency of <0.001% (1/251284) total alleles studied. The highest observed frequency was 0.001% (1/113648) of European (non-Finnish) alleles. Based on insufficient or conflicting evidence, the clinical significance of this alteration remains unclear.

All of Us Research Program, National Institutes of Health
Classification: Uncertain significance for Familial thoracic aortic aneurysm and aortic dissection. Last evaluated: 2024-05-09. Review status: criteria provided, single submitter. Criteria: ACMG Guidelines, 2015. Collection method: clinical testing. Allele origin: germline. Inheritance: Autosomal dominant inheritance. Observed: 1 variant allele, 1 heterozygote.
Comment: This study involves interpretation of variants in research participants for the purpose of population health screening. Participant phenotype was not available at the time of variant classification. Additional details can be found in publication PMID: 35346344, PMCID: PMC8962531

Labcorp Genetics (formerly Invitae), Labcorp
Classification: Uncertain significance for Aortic aneurysm, familial thoracic 4. Last evaluated: 2023-10-18. Review status: criteria provided, single submitter. Criteria: Invitae Variant Classification Sherloc (09022015). Collection method: clinical testing. Allele origin: germline.
Comment: This sequence change replaces aspartic acid, which is acidic and polar, with tyrosine, which is neutral and polar, at codon 1614 of the MYH11 protein (p.Asp1614Tyr). This variant is present in population databases (no rsID available, gnomAD 0.0009%). This variant has not been reported in the literature in individuals affected with MYH11-related conditions. ClinVar contains an entry for this variant (Variation ID: 2448089). Advanced modeling of protein sequence and biophysical properties (such as structural, functional, and spatial information, amino acid conservation, physicochemical variation, residue mobility, and thermodynamic stability) performed at Invitae indicates that this missense variant is not expected to disrupt MYH11 protein function. In summary, the available evidence is currently insufficient to determine the role of this variant in disease. Therefore, it has been classified as a Variant of Uncertain Significance.

GeneDx
Classification: Uncertain significance. Last evaluated: 2022-12-13. Review status: criteria provided, single submitter. Criteria: GeneDx Variant Classification Process June 2021. Collection method: clinical testing. Allele origin: germline. Affected: yes.
Comment: Not observed at significant frequency in large population cohorts (gnomAD); In silico analysis supports that this missense variant has a deleterious effect on protein structure/function; However, In silico analysis supports that this variant does not alter splicing; Has not been previously published as pathogenic or benign to our knowledge

NM_002474.3(MYH11):c.4819G>T (p.Asp1607Tyr)

Genes: NDE1 (nudE neurodevelopment protein 1; plus strand), MYH11 (myosin heavy chain 11; minus strand). Cytogenetic location: 16p13.11.
Variant type: single nucleotide variant.
Coding change: c.4819G>T on transcript NM_002474.3 (MANE Select); coding-DNA position 4819, G replaced by T.
Protein change: p.Asp1607Tyr; replaces aspartic acid 1607 with tyrosine.
Molecular consequence: missense variant. On other transcripts: intron variant (2).
Genome position (GRCh38, 1-based): chr16:15,720,285, C>A on the plus strand (G>T on the coding strand, the complement: MYH11 is on the minus strand). VCF-style: chr16-15720285-C-A. GRCh37 (hg19) VCF-style: chr16-15814142-C-A.
Other names: c.4840G>T, p.Asp1614Tyr (NM_001040113.2, NM_001040114.2); c.4819G>T, p.Asp1607Tyr (NM_022844.3); c.948-3906C>A (NM_001143979.2, NM_017668.3); short protein forms D1607Y, D1614Y.
Identifiers: ClinVar variation 2448089 (VCV002448089.6), dbSNP rs771990666, ClinGen allele CA394852737.